The following is an entry in ClinVar:

NM_004614.5(TK2):c.469_470insTGGG (p.Asp157fs)

Gene: TK2 (thymidine kinase 2; minus strand). Cytogenetic location: 16q21.
Variant type: Insertion.
Coding change: c.469_470insTGGG on transcript NM_004614.5 (MANE Select); coding-DNA positions 469 to 470, TGGG inserted.
Protein change: p.Asp157fs; shifts the reading frame from aspartic acid 157.
Molecular consequence: frameshift variant. On other transcripts: non-coding transcript variant (1), intron variant (1).
Genome position: GRCh38 VCF-style: chr16-66517857-T-TCCCA. GRCh37 (hg19) VCF-style: chr16-66551760-T-TCCCA.
Other names: c.469_470insTGGG (NM_004614.4); c.376_377insTGGG, p.Asp126fs (NM_001172643.1); c.394_395insTGGG, p.Asp132fs (NM_001172644.2); c.415_416insTGGG, p.Asp139fs (NM_001172645.2); c.322_323insTGGG, p.Asp108fs (NM_001271934.2); c.178_179insTGGG, p.Asp60fs (NM_001272050.2); c.357-4047_357-4046insGGTG (NM_001271935.1); short protein forms D108fs, D126fs, D139fs, D157fs, D132fs, D60fs.
Identifiers: ClinVar variation 2910404 (VCV002910404.5), dbSNP rs1964662122, ClinGen allele CA658795164.

ClinVar aggregate classification (germline): Pathogenic. Review status: criteria provided, multiple submitters, no conflicts (2 of 4 stars). 2 submissions from 2 submitters: Pathogenic (2). Last evaluated 2025-11-24.

Conditions:
Mitochondrial disease. Also called: Mitochondrial disorders; Mitochondrial disorder. Identifiers: Orphanet 68380, MedGen C0751651, MeSH D028361, MONDO:0044970.

Submissions (2):

Genomenon, Inc
Classification: Pathogenic for Mitochondrial disease. Last evaluated: 2025-11-24. Review status: criteria provided, single submitter. Criteria: Genomenon Sequence Variant Interpretation Standards - Updated. Collection method: curation. Allele origin: germline. Affected: yes.
Comment: TK2 p.Asp157ValfsTer11 (c.469_470insTGGG) is a frameshift variant that results in the production of a truncated protein which is predicted to undergo nonsense-mediated mRNA decay. This variant has been observed in multiple probands affected with mitochondrial disease in both the homozygous and compound heterozygous state (37326029, 29602790, 31060578). This variant is not present at a significant frequency in gnomAD. In conclusion, we classify TK2 p.Asp157ValfsTer11 (c.469_470insTGGG) as a pathogenic variant.

Labcorp Genetics (formerly Invitae), Labcorp
Classification: Pathogenic. Last evaluated: 2024-09-22. Review status: criteria provided, single submitter. Criteria: Invitae Variant Classification Sherloc (09022015). Collection method: clinical testing. Allele origin: germline.
Comment: This sequence change creates a premature translational stop signal (p.Asp157Valfs*11) in the TK2 gene. It is expected to result in an absent or disrupted protein product. Loss-of-function variants in TK2 are known to be pathogenic (PMID: 20421844). This variant is not present in population databases (gnomAD no frequency). This premature translational stop signal has been observed in individual(s) with clinical features of mitochondrial DNA depletion syndrome (PMID: 29735374). This variant is also known as c.469insTGGG. For these reasons, this variant has been classified as Pathogenic.

Literature cited by the submitters: PubMed 37326029 (cited by Genomenon, Inc); PubMed 29602790 (cited by Genomenon, Inc); PubMed 31060578 (cited by Genomenon, Inc); PubMed 20421844 (cited by Labcorp Genetics (formerly Invitae), Labcorp); PubMed 29735374 (cited by Labcorp Genetics (formerly Invitae), Labcorp).